The following is an entry in ClinVar:

NM_005557.4(KRT16):c.374A>G (p.Asn125Ser)

Gene: KRT16 (keratin 16; minus strand). Cytogenetic location: 17q21.2.
Variant type: single nucleotide variant.
Coding change: c.374A>G on transcript NM_005557.4 (MANE Select); coding-DNA position 374, A replaced by G.
Protein change: p.Asn125Ser; replaces asparagine 125 with serine.
Molecular consequence: missense variant.
Genome position (GRCh38, 1-based): chr17:41,612,315, T>C on the plus strand (A>G on the coding strand, the complement: KRT16 is on the minus strand). VCF-style: chr17-41612315-T-C. GRCh37 (hg19) VCF-style: chr17-39768567-T-C.
Other names: short protein forms N125S.
Identifiers: ClinVar variation 14602 (VCV000014602.15), dbSNP rs60723330, ClinGen allele CA124158.

ClinVar aggregate classification (germline): Pathogenic. Review status: criteria provided, multiple submitters, no conflicts (2 of 4 stars). 10 submissions from 9 submitters: Pathogenic (7). 3 of the submissions do not count toward it. Last evaluated 2025-11-03.

Conditions:
KRT16-related disorder. Also called: KRT16-related condition.
Palmoplantar keratoderma, nonepidermolytic, focal 1 (FNEPPK1). Identifiers: MedGen C4552049, MONDO:0013073, OMIM 613000.
Pachyonychia congenita 1 (PC1). Also called: KRT16-Related Pachyonychia Congenita; Jadassohn Lewandowsky syndrome; PACHYONYCHIA CONGENITA, LATE ONSET. Identifiers: Orphanet 2309, MedGen C1706595, MONDO:0008173, OMIM 167200.

Submissions (10):

PreventionGenetics, part of Exact Sciences
Classification: Pathogenic for KRT16-related condition. Last evaluated: 2025-11-03. Review status: criteria provided, single submitter. Criteria: ACMG Guidelines, 2015. Collection method: clinical testing. Allele origin: germline.
Comment: The KRT16 c.374A>G variant is predicted to result in the amino acid substitution p.Asn125Ser. This variant is alternatively referred to as N8S in the literature. It has been reported in at least sixteen individuals with pachyonychia congenita (PC) and focal plantar keratoderma (Fu et al. 2010. PubMed ID: 21160496). This variant is strongly associated with a lack of fingernail involvement (Samuelov et al. 2020. PubMed ID: 31823354). Functional studies demonstrate an effect on protein expression, assembly of keratin filaments, and aggregate formation (Duverger et al. 2018. PubMed ID: 30009827). This variant has not been reported in a large population database (gnomAD), indicating this variant is rare. It is consistently interpreted as pathogenic in ClinVar (Variation ID: 14602). An alternate missense at the same amino acid position (p.Asn125Asp) has been reported in individuals with a more severe form of PC (Fu et al. 2010. PubMed ID: 21160496). This variant is interpreted as pathogenic.

Labcorp Genetics (formerly Invitae), Labcorp
Classification: Pathogenic. Last evaluated: 2025-02-03. Review status: criteria provided, single submitter. Criteria: Invitae Variant Classification Sherloc (09022015). Collection method: clinical testing. Allele origin: germline.
Comment: This sequence change replaces asparagine, which is neutral and polar, with serine, which is neutral and polar, at codon 125 of the KRT16 protein (p.Asn125Ser). This variant is not present in population databases (gnomAD no frequency). This missense change has been observed in individuals with pachyonychia congenita (PMID: 8595410, 24491404, 31823354; internal data). It has also been observed to segregate with disease in related individuals. This variant is also known as N8S. ClinVar contains an entry for this variant (Variation ID: 14602). Invitae Evidence Modeling of protein sequence and biophysical properties (such as structural, functional, and spatial information, amino acid conservation, physicochemical variation, residue mobility, and thermodynamic stability) has been performed for this missense variant. However, the output from this modeling did not meet the statistical confidence thresholds required to predict the impact of this variant on KRT16 protein function. This variant disrupts the p.Asn125 amino acid residue in KRT16. Other variant(s) that disrupt this residue have been observed in individuals with KRT16-related conditions (PMID: 22668561), which suggests that this may be a clinically significant amino acid residue. For these reasons, this variant has been classified as Pathogenic.

GeneDx
Classification: Pathogenic. Last evaluated: 2024-11-14. Review status: criteria provided, single submitter. Criteria: GeneDx Variant Classification Process June 2021. Collection method: clinical testing. Allele origin: germline. Affected: yes.
Comment: Immunostaining of tooth enamel from a PC patient with the N125S variant showed abnormal K16 protein aggregation and atypical cracks within the inner enamel, and in vitro expression demonstrated altered keratin intermediate filament assembly and intracellular clumping (PMID: 30009827); Multiple pathogenic missense variants have been reported in this codon (N125G and N125D) and in nearby residues (Q122R, Q122P, L124H, L124P, L124R, R127G, R127S, R127C, R127P, R127H, L128Q, L128P) in association with KRT16-related disorders in the Human Gene Mutation Database (HGMD); Located in the highly conserved helix initiation motif of the alpha-helical rod domain, which is intolerant to change; variants in this motif interfere with proper keratin intermediate filament assembly and function, resulting in skin fragility and/or hyperkeratosis (PMID: 21176769); Not observed at significant frequency in large population cohorts (gnomAD); In silico analysis supports that this missense variant has a deleterious effect on protein structure/function; This variant is associated with the following publications: (PMID: 24491404, 8595410, 28794556, 30859684, 31021398, 16250206, 21160496, 31823354, 21326300, 17719747, 38191074, 30009827, 21176769)

3billion
Classification: Pathogenic for Palmoplantar keratoderma, nonepidermolytic, focal 1. Last evaluated: 2024-06-13. Review status: criteria provided, single submitter. Criteria: ACMG Guidelines, 2015. Collection method: clinical testing. Allele origin: germline. Affected: yes.
Comment: The variant is observed at an extremely low frequency in the gnomAD v4.0.0 dataset (total allele frequency: <0.001%). Predicted Consequence/Location: The variant is located in a mutational hot spot and/or well-established functional domain in which established pathogenic variants have been reported. Missense changes are a common disease-causing mechanism. In silico tool predictions suggest damaging effect of the variant on gene or gene product [REVEL: 0.84 (>=0.6, sensitivity 0.68 and specificity 0.92); 3Cnet: 0.96 (>=0.6, sensitivity 0.72 and precision 0.9)]. The same nucleotide change resulting in the same amino acid change has been previously reported as pathogenic/likely pathogenic with strong evidence (ClinVar ID: VCV000014602 /PMID: 8595410). Different missense changes at the same codon (p.Asn125Asp, p.Asn125Gly) have been reported as pathogenic/likely pathogenic with strong evidence (ClinVar ID: VCV000066608, VCV000156024 /PMID: 16250206, 22668561). Therefore, this variant is classified as Pathogenic according to the recommendation of ACMG/AMP guideline.

Blueprint Genetics
Classification: Pathogenic for KRT16-related disorders. Last evaluated: 2021-07-23. Review status: criteria provided, single submitter. Criteria: ACMG Guidelines, 2015. Collection method: clinical testing. Allele origin: germline. Affected: yes. Observed: 1 variant allele.

Institute of Medical Genetics and Applied Genomics, University Hospital Tübingen
Classification: Pathogenic. Last evaluated: 2020-10-23. Review status: criteria provided, single submitter. Criteria: ACMG Guidelines, 2015. Collection method: clinical testing. Allele origin: germline. Inheritance: Unknown mechanism. Affected: yes.

Fulgent Genetics
Classification: Pathogenic for Pachyonychia congenita 1; Palmoplantar keratoderma, nonepidermolytic, focal 1. Last evaluated: 2018-10-31. Review status: criteria provided, single submitter. Criteria: ACMG Guidelines, 2015. Collection method: clinical testing. Allele origin: unknown.

OMIM
Classification: Pathogenic for PALMOPLANTAR KERATODERMA, NONEPIDERMOLYTIC, FOCAL 1. Last evaluated: 2005-10-01. Review status: no assertion criteria provided. Collection method: literature only. Allele origin: germline. Not counted in ClinVar's aggregate classification.

OMIM
Classification: Pathogenic for PACHYONYCHIA CONGENITA 1. Last evaluated: 2005-10-01. Review status: no assertion criteria provided. Collection method: literature only. Allele origin: germline. Not counted in ClinVar's aggregate classification.

Epithelial Biology;  Institute of Medical Biology, Singapore
No classification provided. Review status: no classification provided. Collection method: not provided. Allele origin: not provided. Not counted in ClinVar's aggregate classification.

Literature cited by the submitters: PubMed 8595410 (cited by 3 submitters); PubMed 24491404 (cited by Labcorp Genetics (formerly Invitae), Labcorp); PubMed 31823354 (cited by Labcorp Genetics (formerly Invitae), Labcorp); PubMed 22668561 (cited by Labcorp Genetics (formerly Invitae), Labcorp); PubMed 16250206 (cited by 3billion and OMIM).